The following is an entry in ClinVar:

NM_007294.4(BRCA1):c.4782A>G (p.Pro1594=)

Gene: BRCA1 (BRCA1 DNA repair associated; minus strand). Cytogenetic location: 17q21.31.
Variant type: single nucleotide variant.
Coding change: c.4782A>G on transcript NM_007294.4 (MANE Select); coding-DNA position 4782, A replaced by G.
Protein change: p.Pro1594=; no amino-acid change (proline 1594 retained).
Molecular consequence: synonymous variant. On other transcripts: intron variant (1).
Genome position (GRCh38, 1-based): chr17:43,071,132, T>C on the plus strand (A>G on the coding strand, the complement: BRCA1 is on the minus strand). VCF-style: chr17-43071132-T-C. GRCh37 (hg19) VCF-style: chr17-41223149-T-C.
Other names: c.1356A>G, p.Pro452= (NM_001408420.1, NM_001408418.1, NM_001408419.1); c.1353A>G, p.Pro451= (NM_001408421.1, NM_001408422.1, NM_001408423.1 and 1 more transcripts); c.1350A>G, p.Pro450= (NM_001408425.1, NM_001408426.1, NM_001408427.1 and 4 more transcripts); c.1347A>G, p.Pro449= (NM_001408432.1, NM_001408433.1, NM_001408434.1 and 10 more transcripts); c.1344A>G, p.Pro448= (NM_001408445.1, NM_001408446.1, NM_001408447.1 and 2 more transcripts); c.1338A>G, p.Pro446= (NM_001408451.1); c.1332A>G, p.Pro444= (NM_001408452.1, NM_001408453.1, NM_001408454.1 and 3 more transcripts); c.1329A>G, p.Pro443= (NM_001408458.1, NM_001408459.1, NM_001408460.1 and 7 more transcripts); and 71 more.
Identifiers: ClinVar variation 231948 (VCV000231948.21), dbSNP rs876659455, ClinGen allele CA10580508.
Genomic context (GRCh38, chr17:43,071,132, plus strand): 5'-TGGACTCTGGGCAGATTCTGCAACTTTCAATTGGGGAACTTTCAATGCAGAGGTTGAAGA[T>C]GGTATGTTGCCAACACGAGCTGACTCTGGGGCTCTGTCTTCAGAAGGATCAGATTCAGGG-3'
Protein context (NP_009225.1, residues 1584-1604): APESARVGNI[Pro1594=]SSTSALKVPQ

ClinVar aggregate classification (germline): Likely benign. Review status: reviewed by expert panel (3 of 4 stars). 6 submissions from 6 submitters: Likely benign (1). 5 of the submissions do not count toward it. Last evaluated 2017-06-29.

Conditions:
Hereditary cancer-predisposing syndrome. Also called: Tumor predisposition; Hereditary Cancer Syndrome; Neoplastic Syndromes, Hereditary; Hereditary neoplastic syndrome. Identifiers: Orphanet 140162, MedGen C0027672, MeSH D009386, MONDO:0015356.
Hereditary breast ovarian cancer syndrome. Also called: Breast and ovarian cancer; Hereditary breast and ovarian cancer; Hereditary breast and ovarian cancer syndrome; Hereditary breast and/or ovarian cancer syndrome; BRCA1- and BRCA2-Associated Hereditary Breast and Ovarian Cancer; Hereditary breast and ovarian cancer syndrome (HBOC). Identifiers: Orphanet 145, MedGen C0677776, MeSH D061325, MONDO:0003582. Disease mechanism: loss of function.
Breast-ovarian cancer, familial, susceptibility to, 1 (BROVCA1). Also called: BRCA1 Hereditary Breast and Ovarian Cancer; OVARIAN CANCER, SUSCEPTIBILITY TO. Identifiers: Orphanet 145, MedGen C2676676, MONDO:0011450, OMIM 604370. Disease mechanism: loss of function.

Allele frequency attached by ClinVar (database versions not stated): gnomAD exomes below 0.00001; TOPMed 0.00001.
gnomAD v4.1: 1 of 1,614,204 alleles (0.000062%); highest among the groups gnomAD compares: Admixed American, 0.0017%; no homozygotes.

Submissions (6):

Evidence-based Network for the Interpretation of Germline Mutant Alleles (ENIGMA)
Classification: Likely benign for Breast-ovarian cancer, familial, susceptibility to, 1. Last evaluated: 2017-06-29. Review status: reviewed by expert panel. Criteria: ENIGMA BRCA1/2 Classification Criteria (2017-06-29). Collection method: curation. Allele origin: germline.
Comment: Synonymous substitution variant, with low bioinformatic likelihood to result in a splicing aberration (Splicing prior probability 0.02).

Labcorp Genetics (formerly Invitae), Labcorp
Classification: Likely benign for Hereditary breast ovarian cancer syndrome. Last evaluated: 2023-02-10. Review status: criteria provided, single submitter. Criteria: Invitae Variant Classification Sherloc (09022015). Collection method: clinical testing. Allele origin: germline. Not counted in ClinVar's aggregate classification.

Quest Diagnostics Nichols Institute San Juan Capistrano
Classification: Likely benign. Last evaluated: 2021-06-25. Review status: criteria provided, single submitter. Criteria: Quest Diagnostics criteria. Collection method: clinical testing. Allele origin: unknown. Not counted in ClinVar's aggregate classification.

GeneDx
Classification: Likely benign. Last evaluated: 2019-11-15. Review status: criteria provided, single submitter. Criteria: GeneDx Variant Classification Process June 2021. Collection method: clinical testing. Allele origin: germline. Affected: yes. Not counted in ClinVar's aggregate classification.

Color Diagnostics, LLC DBA Color Health
Classification: Likely benign for Hereditary cancer-predisposing syndrome. Last evaluated: 2017-03-23. Review status: criteria provided, single submitter. Criteria: ACMG Guidelines, 2015. Collection method: clinical testing. Allele origin: germline. Not counted in ClinVar's aggregate classification.

Ambry Genetics
Classification: Likely benign for Hereditary cancer-predisposing syndrome. Last evaluated: 2015-05-20. Review status: criteria provided, single submitter. Criteria: Ambry Variant Classification Scheme 2023. Collection method: clinical testing. Allele origin: germline. Not counted in ClinVar's aggregate classification.